The following is an entry in ClinVar:

NM_000059.4(BRCA2):c.5806A>C (p.Met1936Leu)

Gene: BRCA2 (BRCA2 DNA repair associated; plus strand). Cytogenetic location: 13q13.1.
Variant type: single nucleotide variant.
Coding change: c.5806A>C on transcript NM_000059.4 (MANE Select); coding-DNA position 5806, A replaced by C.
Protein change: p.Met1936Leu; replaces methionine 1936 with leucine.
Molecular consequence: missense variant. On other transcripts: non-coding transcript variant (1), intron variant (2).
Genome position (GRCh38, 1-based): chr13:32,340,161, A>C. VCF-style: chr13-32340161-A-C. GRCh37 (hg19) VCF-style: chr13-32914298-A-C.
Other names: c.5806A>C, p.Met1936Leu (NM_001406719.1, NM_001406720.1); c.1910-4397A>C (NM_001406721.1); c.425-4397A>C (NM_001406722.1); short protein forms M1936L.
Identifiers: ClinVar variation 2586288 (VCV002586288.3), dbSNP rs1566233265, ClinGen allele CA387787232.

ClinVar aggregate classification (germline): Uncertain significance (1 of 4 stars; one submission).

Conditions:
Hereditary cancer-predisposing syndrome. Also called: Hereditary neoplastic syndrome; Tumor predisposition; Hereditary Cancer Syndrome; Neoplastic Syndromes, Hereditary. Identifiers: Orphanet 140162, MedGen C0027672, MeSH D009386, MONDO:0015356.

Submission:

Ambry Genetics
Classification: Uncertain significance for Hereditary cancer-predisposing syndrome. Last evaluated: 2025-11-22. Review status: criteria provided, single submitter. Criteria: Ambry Variant Classification Scheme 2023. Collection method: clinical testing. Allele origin: germline.
Comment: The p.M1936L variant (also known as c.5806A>C), located in coding exon 10 of the BRCA2 gene, results from an A to C substitution at nucleotide position 5806. The methionine at codon 1936 is replaced by leucine, an amino acid with highly similar properties. This amino acid position is not well conserved in available vertebrate species. In addition, this alteration is predicted to be tolerated by in silico analysis. Since supporting evidence is limited at this time, the clinical significance of this alteration remains unclear.